The following is an entry in ClinVar:

ClinVar aggregate classification (germline): Benign/Likely benign. Review status: criteria provided, multiple submitters, no conflicts (2 of 4 stars). 3 submissions from 3 submitters: Benign (1); Likely benign (2). Last evaluated 2026-05-01.

Allele frequency attached by ClinVar (database versions not stated): gnomAD exomes 0.00005 and 0.00008; ExAC 0.00007; gnomAD 0.00007 and 0.00008.
gnomAD v4.1: 88 of 1,613,694 alleles (0.0055%); highest among the groups gnomAD compares: South Asian, 0.043%; 1 homozygote.

Submissions (3):

CeGaT Center for Human Genetics Tuebingen
Classification: Likely benign. Last evaluated: 2026-05-01. Review status: criteria provided, single submitter. Criteria: CeGaT Center For Human Genetics Tuebingen Variant Classification Criteria Version 2. Collection method: clinical testing. Allele origin: germline. Affected: yes. Observed: 2 variant alleles.
Comment: RHOBTB2: BP4, BP7

Labcorp Genetics (formerly Invitae), Labcorp
Classification: Benign. Last evaluated: 2025-08-13. Review status: criteria provided, single submitter. Criteria: Invitae Variant Classification Sherloc (09022015). Collection method: clinical testing. Allele origin: germline.

Blueprint Genetics
Classification: Likely benign. Last evaluated: 2023-10-24. Review status: criteria provided, single submitter. Criteria: ACMG Guidelines, 2015. Collection method: clinical testing. Allele origin: germline.

NM_015178.3(RHOBTB2):c.1122C>T (p.Asn374=)

Gene: RHOBTB2 (Rho related BTB domain containing 2; plus strand). Cytogenetic location: 8p21.3.
Variant type: single nucleotide variant.
Coding change: c.1122C>T on transcript NM_015178.3 (MANE Select); coding-DNA position 1122, C replaced by T.
Protein change: p.Asn374=; no amino-acid change (asparagine 374 retained).
Molecular consequence: synonymous variant.
Genome position (GRCh38, 1-based): chr8:23,007,367, C>T. VCF-style: chr8-23007367-C-T. GRCh37 (hg19) VCF-style: chr8-22864880-C-T.
Other names: c.1188C>T, p.Asn396= (NM_001160036.2); c.1143C>T, p.Asn381= (NM_001160037.2); c.1122C>T, p.Asn374= (NM_001374791.1).
Identifiers: ClinVar variation 1629700 (VCV001629700.33), dbSNP rs773683352, ClinGen allele CA4672610.
Genomic context (GRCh38, chr8:23,007,367, plus strand): 5'-TGGGGGCTCCGGTCCTGCTGGCCTCCGTGCTTCCACCAGCGACGGGATCTTACGGGGCAA[C>T]GGAACAGGGTACCTACCGGGCAGGGGTCGTGTGCTGTCTTCCTGGAGCCGAGCTTTTGTG-3'
Protein context (NP_055993.2, residues 364-384): ASTSDGILRG[Asn374=]GTGYLPGRGR